The following is an entry in ClinVar:

ClinVar aggregate classification (germline): Uncertain significance (1 of 4 stars; one submission).

gnomAD v4.1: 2 of 1,536,556 alleles (0.00013%); highest among the groups gnomAD compares: Admixed American, 0.002%; no homozygotes.

Submission:

Labcorp Genetics (formerly Invitae), Labcorp
Classification: Uncertain significance. Last evaluated: 2021-02-06. Review status: criteria provided, single submitter. Criteria: Invitae Variant Classification Sherloc (09022015). Collection method: clinical testing. Allele origin: germline.
Comment: This sequence change replaces methionine with valine at codon 2047 of the C2CD3 protein (p.Met2047Val). The C2CD3 gene has multiple clinically relevant transcripts. This variant occurs in alternate transcript NM_001286577.1, and corresponds to NM_015531.5:c.*577A>G in the primary transcript. The frequency data for this variant in the population databases is considered unreliable, as metrics indicate insufficient coverage at this position in the ExAC database. This variant has not been reported in the literature in individuals with C2CD3-related conditions. Experimental studies and prediction algorithms are not available or were not evaluated, and the functional significance of this variant is currently unknown. In summary, the available evidence is currently insufficient to determine the role of this variant in disease. Therefore, it has been classified as a Variant of Uncertain Significance.

NM_001286577.2(C2CD3):c.6139A>G (p.Met2047Val)

Gene: C2CD3 (C2 domain containing 3 centriole elongation regulator; minus strand). Cytogenetic location: 11q13.4.
Variant type: single nucleotide variant.
Coding change: c.6139A>G on transcript NM_001286577.2 (MANE Select); coding-DNA position 6139, A replaced by G.
Protein change: p.Met2047Val; replaces methionine 2047 with valine.
Molecular consequence: missense variant.
Genome position (GRCh38, 1-based): chr11:74,034,021, T>C on the plus strand (A>G on the coding strand, the complement: C2CD3 is on the minus strand). VCF-style: chr11-74034021-T-C. GRCh37 (hg19) VCF-style: chr11-73745066-T-C.
Other names: short protein forms M2047V.
Identifiers: ClinVar variation 1520073 (VCV001520073.1), dbSNP rs2135413138, ClinGen allele CA381821635.
Genomic context (GRCh38, chr11:74,034,021, plus strand): 5'-CTTCTTCATAGTCCTCATCACTGTAGGCTGGGCCTGCCTCAGTGTCTTCACTGCTCTGCA[T>C]CCTTGTAATGGGTACTGCATGCCTCAGGGACTCATGGAGCATTCTTCCTCCATTTGAAGT-3'
Protein context (NP_001273506.1, residues 2037-2057): SLRHAVPITR[Met2047Val]QSSEDTEAGP